The following is an entry in ClinVar:

ClinVar aggregate classification (germline): Uncertain significance (1 of 4 stars; one submission).

Conditions:
Hereditary sensory and autonomic neuropathy type 7. Also called: Neuropathy, hereditary sensory and autonomic, type VII; HSAN VII. Identifiers: Orphanet 391397, MedGen C3809882, MONDO:0014244, OMIM 615548.
Familial episodic pain syndrome with predominantly lower limb involvement. Also called: Episodic pain syndrome, familial, 3. Identifiers: Orphanet 391384, Orphanet 391392, MedGen C3809899, MONDO:0014247, OMIM 615552.

Submission:

Labcorp Genetics (formerly Invitae), Labcorp
Classification: Uncertain significance for Familial episodic pain syndrome with predominantly lower limb involvement; Hereditary sensory and autonomic neuropathy type 7. Last evaluated: 2022-07-06. Review status: criteria provided, single submitter. Criteria: Invitae Variant Classification Sherloc (09022015). Collection method: clinical testing. Allele origin: germline.
Comment: In summary, the available evidence is currently insufficient to determine the role of this variant in disease. Therefore, it has been classified as a Variant of Uncertain Significance. Algorithms developed to predict the effect of sequence changes on RNA splicing suggest that this variant may create or strengthen a splice site. Algorithms developed to predict the effect of missense changes on protein structure and function (SIFT, PolyPhen-2, Align-GVGD) all suggest that this variant is likely to be disruptive. ClinVar contains an entry for this variant (Variation ID: 474751). This variant has not been reported in the literature in individuals affected with SCN11A-related conditions. This variant is not present in population databases (gnomAD no frequency). This sequence change replaces alanine, which is neutral and non-polar, with valine, which is neutral and non-polar, at codon 232 of the SCN11A protein (p.Ala232Val).

NM_001349253.2(SCN11A):c.695C>T (p.Ala232Val)

Gene: SCN11A (sodium voltage-gated channel alpha subunit 11; minus strand). Cytogenetic location: 3p22.2.
Variant type: single nucleotide variant.
Coding change: c.695C>T on transcript NM_001349253.2 (MANE Select); coding-DNA position 695, C replaced by T.
Protein change: p.Ala232Val; replaces alanine 232 with valine.
Molecular consequence: missense variant.
Genome position (GRCh38, 1-based): chr3:38,925,432, G>A on the plus strand (C>T on the coding strand, the complement: SCN11A is on the minus strand). VCF-style: chr3-38925432-G-A. GRCh37 (hg19) VCF-style: chr3-38966923-G-A.
Other names: c.695C>T, p.Ala232Val (NM_014139.3); short protein forms A232V.
Identifiers: ClinVar variation 474751 (VCV000474751.5), dbSNP rs1553641382, ClinGen allele CA352173141.